The following is an entry in ClinVar:

ClinVar aggregate classification (germline): Uncertain significance (1 of 4 stars; one submission).

Conditions:
Hereditary cancer-predisposing syndrome. Also called: Neoplastic Syndromes, Hereditary; Hereditary Cancer Syndrome; Tumor predisposition; Hereditary neoplastic syndrome. Identifiers: Orphanet 140162, MedGen C0027672, MeSH D009386, MONDO:0015356.

Submission:

Labcorp Genetics (formerly Invitae), Labcorp
Classification: Uncertain significance for Hereditary cancer-predisposing syndrome. Last evaluated: 2018-05-02. Review status: criteria provided, single submitter. Criteria: Invitae Variant Classification Sherloc (09022015). Collection method: clinical testing. Allele origin: germline.
Comment: In summary, the available evidence is currently insufficient to determine the role of this variant in disease. Therefore, it has been classified as a Variant of Uncertain Significance. Algorithms developed to predict the effect of missense changes on protein structure and function do not agree on the potential impact of this missense change (SIFT: "Deleterious"; PolyPhen-2: "Probably Damaging"; Align-GVGD: "Class C0"). This variant has not been reported in the literature in individuals with RAD50-related disease. This variant is not present in population databases (ExAC no frequency). This sequence change replaces serine with asparagine at codon 14 of the RAD50 protein (p.Ser14Asn). The serine residue is highly conserved and there is a small physicochemical difference between serine and asparagine.

NM_005732.4(RAD50):c.41G>A (p.Ser14Asn)

Gene: RAD50 (RAD50 double strand break repair protein; plus strand). Cytogenetic location: 5q31.1.
Variant type: single nucleotide variant.
Coding change: c.41G>A on transcript NM_005732.4 (MANE Select); coding-DNA position 41, G replaced by A.
Protein change: p.Ser14Asn; replaces serine 14 with asparagine.
Molecular consequence: missense variant.
Genome position (GRCh38, 1-based): chr5:132,557,365, G>A. VCF-style: chr5-132557365-G-A. GRCh37 (hg19) VCF-style: chr5-131893057-G-A.
Other names: short protein forms S14N.
Identifiers: ClinVar variation 581937 (VCV000581937.9), dbSNP rs1561626972, ClinGen allele CA360950968.